The following is an entry in ClinVar:

ClinVar aggregate classification (germline): Uncertain significance. Review status: criteria provided, multiple submitters, no conflicts (2 of 4 stars). 2 submissions from 2 submitters: Uncertain significance (2). Last evaluated 2025-09-10.

Conditions:
Febrile seizures, familial, 11 (FEB11). Also called: CONVULSIONS, FAMILIAL FEBRILE, 11. Identifiers: MedGen C3280734, MONDO:0024566, OMIM 614418.

Allele frequency attached by ClinVar (database versions not stated): gnomAD 0.00003 and 0.00004; TOPMed 0.00005; ExAC 0.00006; gnomAD exomes 0.00007 and 0.00009.
gnomAD v4.1: 143 of 1,612,998 alleles (0.0089%); highest among the groups gnomAD compares: Non-Finnish European, 0.011%; no homozygotes.

Submissions (2):

Ambry Genetics
Classification: Uncertain significance. Last evaluated: 2025-09-10. Review status: criteria provided, single submitter. Criteria: Ambry Variant Classification Scheme 2023. Collection method: clinical testing. Allele origin: germline.

Labcorp Genetics (formerly Invitae), Labcorp
Classification: Uncertain significance for Febrile seizures, familial, 11. Last evaluated: 2021-09-01. Review status: criteria provided, single submitter. Criteria: Invitae Variant Classification Sherloc (09022015). Collection method: clinical testing. Allele origin: germline.
Comment: This sequence change replaces asparagine with lysine at codon 35 of the CPA6 protein (p.Asn35Lys). The asparagine residue is weakly conserved and there is a moderate physicochemical difference between asparagine and lysine. This variant is present in population databases (rs530829401, ExAC 0.01%). This variant has not been reported in the literature in individuals affected with CPA6-related conditions. Algorithms developed to predict the effect of missense changes on protein structure and function (SIFT, PolyPhen-2, Align-GVGD) all suggest that this variant is likely to be tolerated. In summary, the available evidence is currently insufficient to determine the role of this variant in disease. Therefore, it has been classified as a Variant of Uncertain Significance.

NM_020361.5(CPA6):c.105C>A (p.Asn35Lys)

Gene: CPA6 (carboxypeptidase A6; minus strand). Cytogenetic location: 8q13.2.
Variant type: single nucleotide variant.
Coding change: c.105C>A on transcript NM_020361.5 (MANE Select); coding-DNA position 105, C replaced by A.
Protein change: p.Asn35Lys; replaces asparagine 35 with lysine.
Molecular consequence: missense variant.
Genome position (GRCh38, 1-based): chr8:67,746,025, G>T on the plus strand (C>A on the coding strand, the complement: CPA6 is on the minus strand). VCF-style: chr8-67746025-G-T. GRCh37 (hg19) VCF-style: chr8-68658260-G-T.
Other names: short protein forms N35K.
Identifiers: ClinVar variation 853158 (VCV000853158.7), dbSNP rs530829401, ClinGen allele CA4773097.